The following is an entry in ClinVar:

NM_018003.4(UACA):c.2784C>T (p.His928=)

Gene: UACA (uveal autoantigen with coiled-coil domains and ankyrin repeats; minus strand). Cytogenetic location: 15q23.
Variant type: single nucleotide variant.
Coding change: c.2784C>T on transcript NM_018003.4 (MANE Select); coding-DNA position 2784, C replaced by T.
Protein change: p.His928=; no amino-acid change (histidine 928 retained).
Molecular consequence: synonymous variant.
Genome position (GRCh38, 1-based): chr15:70,667,900, G>A on the plus strand (C>T on the coding strand, the complement: UACA is on the minus strand). VCF-style: chr15-70667900-G-A. GRCh37 (hg19) VCF-style: chr15-70960239-G-A.
Other names: c.2745C>T, p.His915= (NM_001008224.3).
Identifiers: ClinVar variation 3033276 (VCV003033276.2), dbSNP rs138757062, ClinGen allele CA7636941.

ClinVar aggregate classification (germline): Likely benign (0 of 4 stars; one submission).

Conditions:
UACA-related disorder. Also called: UACA-related condition.

Allele frequency attached by ClinVar (database versions not stated): 1000 Genomes Project 30x 0.00094; ExAC 0.00113; 1000 Genomes Project 0.00120; ESP Exome Variant Server 0.00139; gnomAD 0.00148; gnomAD exomes 0.00192; TOPMed 0.00201.
gnomAD v4.1: 3,067 of 1,613,890 alleles (0.19%); highest among the groups gnomAD compares: Non-Finnish European, 0.23%; 4 homozygotes.

Submission:

PreventionGenetics, part of Exact Sciences
Classification: Likely benign for UACA-related condition. Last evaluated: 2019-10-28. Review status: no assertion criteria provided. Collection method: clinical testing. Allele origin: germline.
Comment: This variant is classified as likely benign based on ACMG/AMP sequence variant interpretation guidelines (Richards et al. 2015 PMID: 25741868, with internal and published modifications).